The following is an entry in ClinVar:

NM_000038.6(APC):c.6924C>A (p.Thr2308=)

Gene: APC (APC regulator of Wnt signaling pathway; plus strand). Cytogenetic location: 5q22.2.
Variant type: single nucleotide variant.
Coding change: c.6924C>A on transcript NM_000038.6 (MANE Select); coding-DNA position 6924, C replaced by A.
Protein change: p.Thr2308=; no amino-acid change (threonine 2308 retained).
Molecular consequence: synonymous variant.
Genome position (GRCh38, 1-based): chr5:112,842,518, C>A. VCF-style: chr5-112842518-C-A. GRCh37 (hg19) VCF-style: chr5-112178215-C-A.
Other names: c.6924C>A, p.Thr2308= (NM_001127510.3, NM_001354895.2); c.6870C>A, p.Thr2290= (NM_001127511.3); c.6978C>A, p.Thr2326= (NM_001354896.2); c.6747C>A, p.Thr2249= (NM_001354901.2); c.6651C>A, p.Thr2217= (NM_001354902.2); c.6840C>A, p.Thr2280= (NM_001354899.2); c.6801C>A, p.Thr2267= (NM_001354900.2); c.6954C>A, p.Thr2318= (NM_001354897.2); and 5 more.
Identifiers: ClinVar variation 760901 (VCV000760901.16), dbSNP rs1580676369, ClinGen allele CA446210506.
Genomic context (GRCh38, chr5:112,842,518, plus strand): 5'-GACATCCCAAATAGGTGGGTCAAGTAAAGCACCTTCTAGATCAGGATCTAGAGATTCGAC[C>A]CCTTCAAGACCTGCCCAGCAACCATTAAGTAGACCTATACAGTCTCCTGGCCGAAACTCA-3'
Protein context (NP_000029.2, residues 2298-2318): APSRSGSRDS[Thr2308=]PSRPAQQPLS

ClinVar aggregate classification (germline): Benign/Likely benign. Review status: criteria provided, multiple submitters, no conflicts (2 of 4 stars). 4 submissions from 4 submitters: Benign (1); Likely benign (2). 1 of the submissions does not count toward it. Last evaluated 2025-04-21.

Conditions:
APC-related disorder. Also called: APC-related condition.
Hereditary cancer-predisposing syndrome. Also called: Tumor predisposition; Neoplastic Syndromes, Hereditary; Hereditary Cancer Syndrome; Hereditary neoplastic syndrome. Identifiers: Orphanet 140162, MedGen C0027672, MeSH D009386, MONDO:0015356.
Familial adenomatous polyposis 1 (FAP1). Also called: POLYPOSIS, ADENOMATOUS INTESTINAL; FAMILIAL ADENOMATOUS POLYPOSIS 1, ATTENUATED. Identifiers: MedGen C2713442, MONDO:0021056, OMIM 175100. Disease mechanism: loss of function.

Submissions (4):

Ambry Genetics
Classification: Likely benign for Hereditary cancer-predisposing syndrome. Last evaluated: 2025-04-21. Review status: criteria provided, single submitter. Criteria: Ambry Variant Classification Scheme 2023. Collection method: clinical testing. Allele origin: germline.

Labcorp Genetics (formerly Invitae), Labcorp
Classification: Likely benign for Familial adenomatous polyposis 1. Last evaluated: 2024-11-20. Review status: criteria provided, single submitter. Criteria: Invitae Variant Classification Sherloc (09022015). Collection method: clinical testing. Allele origin: germline.

Myriad Genetics, Inc.
Classification: Benign for Familial adenomatous polyposis 1. Last evaluated: 2024-04-08. Review status: criteria provided, single submitter. Criteria: Myriad Autosomal Dominant, Autosomal Recessive and X-Linked Classification Criteria (2023). Collection method: clinical testing. Allele origin: unknown.
Comment: This variant is considered benign. This variant is a silent/synonymous amino acid change and it is not expected to impact splicing.

PreventionGenetics, part of Exact Sciences
Classification: Likely benign for APC-related condition. Last evaluated: 2019-05-03. Review status: no assertion criteria provided. Collection method: clinical testing. Allele origin: germline. Not counted in ClinVar's aggregate classification.
Comment: This variant is classified as likely benign based on ACMG/AMP sequence variant interpretation guidelines (Richards et al. 2015 PMID: 25741868, with internal and published modifications).